The following is an entry in ClinVar:

NM_001379291.1(BRD4):c.3089C>T (p.Pro1030Leu)

Gene: BRD4 (bromodomain containing 4; minus strand). Cytogenetic location: 19p13.12.
Variant type: single nucleotide variant.
Coding change: c.3089C>T on transcript NM_001379291.1 (MANE Select); coding-DNA position 3089, C replaced by T.
Protein change: p.Pro1030Leu; replaces proline 1030 with leucine.
Molecular consequence: missense variant.
Genome position (GRCh38, 1-based): chr19:15,242,980, G>A on the plus strand (C>T on the coding strand, the complement: BRD4 is on the minus strand). VCF-style: chr19-15242980-G-A. GRCh37 (hg19) VCF-style: chr19-15353791-G-A.
Other names: c.3089C>T, p.Pro1030Leu (NM_058243.3); short protein forms P1030L.
Identifiers: ClinVar variation 2982415 (VCV002982415.3), dbSNP rs1158865535, ClinGen allele CA9264805.

ClinVar aggregate classification (germline): Uncertain significance (1 of 4 stars; one submission).

Allele frequency attached by ClinVar (database versions not stated): ExAC 0.00002.
gnomAD v4.1: 46 of 1,586,562 alleles (0.0029%); highest among the groups gnomAD compares: East Asian, 0.011%; 1 homozygote.

Submission:

Labcorp Genetics (formerly Invitae), Labcorp
Classification: Uncertain significance. Last evaluated: 2025-07-31. Review status: criteria provided, single submitter. Criteria: Invitae Variant Classification Sherloc (09022015). Collection method: clinical testing. Allele origin: germline.
Comment: This sequence change replaces proline, which is neutral and non-polar, with leucine, which is neutral and non-polar, at codon 1030 of the BRD4 protein (p.Pro1030Leu). This variant is present in population databases (no rsID available, gnomAD 0.01%), including at least one homozygous and/or hemizygous individual. This variant has not been reported in the literature in individuals affected with BRD4-related conditions. ClinVar contains an entry for this variant (Variation ID: 2982415). An algorithm developed to predict the effect of missense changes on protein structure and function (PolyPhen-2) suggests that this variant is likely to be disruptive. In summary, the available evidence is currently insufficient to determine the role of this variant in disease. Therefore, it has been classified as a Variant of Uncertain Significance.